The following is an entry in ClinVar:

NM_004100.5(EYA4):c.824C>G (p.Ala275Gly)

Gene: EYA4 (EYA transcriptional coactivator and phosphatase 4; plus strand). Cytogenetic location: 6q23.2.
Variant type: single nucleotide variant.
Coding change: c.824C>G on transcript NM_004100.5 (MANE Select); coding-DNA position 824, C replaced by G.
Protein change: p.Ala275Gly; replaces alanine 275 with glycine.
Molecular consequence: missense variant.
Genome position (GRCh38, 1-based): chr6:133,468,585, C>G. VCF-style: chr6-133468585-C-G. GRCh37 (hg19) VCF-style: chr6-133789723-C-G.
Other names: c.662C>G, p.Ala221Gly (NM_001301012.2, NM_001370459.1); c.824C>G, p.Ala275Gly (NM_001301013.2, NM_172105.4); c.755C>G, p.Ala252Gly (NM_001370458.1, NM_172103.4); short protein forms A275G, A221G, A252G.
Identifiers: ClinVar variation 633199 (VCV000633199.8), dbSNP rs748654006, ClinGen allele CA4008167.
Genomic context (GRCh38, chr6:133,468,585, plus strand): 5'-AATTTCTCTTTCAAACACACACATCTCAATTATTGTTTCAGGATTATCCATCCTATACAG[C>G]CTTTGGCCAAAACCAGTATGCACAGTATTATTCAGCATCAACGTATGGAGCGTATATGAC-3'
Protein context (NP_004091.3, residues 265-285): GSQQDYPSYT[Ala275Gly]FGQNQYAQYY

ClinVar aggregate classification (germline): Uncertain significance. Review status: criteria provided, multiple submitters, no conflicts (2 of 4 stars). 3 submissions from 3 submitters: Uncertain significance (3). Last evaluated 2025-08-28.

Conditions:
Dilated cardiomyopathy 1J (CMD1J). Also called: CARDIOMYOPATHY, DILATED, WITH SENSORINEURAL HEARING LOSS, AUTOSOMAL DOMINANT. Identifiers: Orphanet 217622, MedGen C1854368, MONDO:0011541, OMIM 605362.
Cardiovascular phenotype. Identifiers: MedGen CN230736.

Allele frequency attached by ClinVar (database versions not stated): TOPMed 0.00001; gnomAD 0.00003.
gnomAD v4.1: 17 of 1,611,578 alleles (0.0011%); highest among the groups gnomAD compares: Non-Finnish European, 0.0014%; no homozygotes.

Submissions (3):

Ambry Genetics
Classification: Uncertain significance for Cardiovascular phenotype. Last evaluated: 2025-08-28. Review status: criteria provided, single submitter. Criteria: Ambry Variant Classification Scheme 2023. Collection method: clinical testing. Allele origin: germline.
Comment: The p.A275G variant (also known as c.824C>G), located in coding exon 10 of the EYA4 gene, results from a C to G substitution at nucleotide position 824. The alanine at codon 275 is replaced by glycine, an amino acid with similar properties. This amino acid position is not well conserved in available vertebrate species. In addition, this alteration is predicted to be tolerated by in silico analysis. Since supporting evidence is limited at this time, the clinical significance of this alteration remains unclear.

Labcorp Genetics (formerly Invitae), Labcorp
Classification: Uncertain significance for Dilated cardiomyopathy 1J. Last evaluated: 2025-02-02. Review status: criteria provided, single submitter. Criteria: Invitae Variant Classification Sherloc (09022015). Collection method: clinical testing. Allele origin: germline.
Comment: This sequence change replaces alanine, which is neutral and non-polar, with glycine, which is neutral and non-polar, at codon 275 of the EYA4 protein (p.Ala275Gly). This variant is present in population databases (rs748654006, gnomAD 0.002%). This variant has not been reported in the literature in individuals affected with EYA4-related conditions. ClinVar contains an entry for this variant (Variation ID: 633199). Invitae Evidence Modeling of protein sequence and biophysical properties (such as structural, functional, and spatial information, amino acid conservation, physicochemical variation, residue mobility, and thermodynamic stability) indicates that this missense variant is not expected to disrupt EYA4 protein function with a negative predictive value of 80%. In summary, the available evidence is currently insufficient to determine the role of this variant in disease. Therefore, it has been classified as a Variant of Uncertain Significance.

Women's Health and Genetics/Laboratory Corporation of America, LabCorp
Classification: Uncertain significance. Last evaluated: 2018-12-11. Review status: criteria provided, single submitter. Criteria: LabCorp Variant Classification Summary - May 2015. Collection method: clinical testing. Allele origin: germline.
Comment: Variant summary: EYA4 c.824C>G (p.Ala275Gly) results in a non-conservative amino acid change in the encoded protein sequence. Three of five in-silico tools predict a benign effect of the variant on protein function. The variant allele was found at a frequency of 7.2e-06 in 276496 control chromosomes. The available data on variant occurrences in the general population are insufficient to allow any conclusion about variant significance. To our knowledge, no occurrence of c.824C>G in individuals affected with Cardiomyopathy and no experimental evidence demonstrating its impact on protein function have been reported. No clinical diagnostic laboratories have submitted clinical-significance assessments for this variant to ClinVar after 2014. Based on the evidence outlined above, the variant was classified as uncertain significance.